The following is an entry in ClinVar:

NM_001367721.1(CASK):c.2444T>A (p.Met815Lys)

Gene: CASK (calcium/calmodulin dependent serine protein kinase; minus strand). Cytogenetic location: Xp11.4.
Variant type: single nucleotide variant.
Coding change: c.2444T>A on transcript NM_001367721.1 (MANE Select); coding-DNA position 2444, T replaced by A.
Protein change: p.Met815Lys; replaces methionine 815 with lysine.
Molecular consequence: missense variant.
Genome position (GRCh38, 1-based): chrX:41,531,083, A>T on the plus strand (T>A on the coding strand, the complement: CASK is on the minus strand). VCF-style: chrX-41531083-A-T. GRCh37 (hg19) VCF-style: chrX-41390336-A-T.
Other names: c.2360T>A, p.Met787Lys (NM_001126054.3); c.2357T>A, p.Met786Lys (NM_001126055.3); c.2426T>A, p.Met809Lys (NM_001410745.1); c.2429T>A, p.Met810Lys (NM_003688.4); short protein forms M810K, M787K, M809K, M815K, M786K.
Identifiers: ClinVar variation 1993215 (VCV001993215.2), dbSNP rs761873670, ClinGen allele CA10390021.
Genomic context (GRCh38, chrX:41,531,083, plus strand): 5'-AGTATTGCAATCAGCCCCTGCTCGTGGATCTTCCGGATGGTCTCCAGTTTTGTCCCATAC[A>T]TCGCATCCTCGTGGCTGCCGTACTCCAAGTACTCGTTATTAGAGATGTCTTGCATCATTT-3'
Protein context (NP_001354650.1, residues 805-825): YLEYGSHEDA[Met815Lys]YGTKLETIRK

ClinVar aggregate classification (germline): Uncertain significance (1 of 4 stars; one submission).

Conditions:
Intellectual disability, CASK-related, X-linked. Identifiers: MedGen CN043158.

Allele frequency attached by ClinVar (database versions not stated): gnomAD 0.00001; TOPMed 0.00001; ExAC 0.00002.
gnomAD v4.1: 3 of 1,209,753 alleles (0.00025%); highest among the groups gnomAD compares: East Asian, 0.0059%; no homozygotes.

Submission:

Labcorp Genetics (formerly Invitae), Labcorp
Classification: Uncertain significance for Intellectual disability, CASK-related, X-linked. Last evaluated: 2022-11-29. Review status: criteria provided, single submitter. Criteria: Invitae Variant Classification Sherloc (09022015). Collection method: clinical testing. Allele origin: germline.
Comment: This sequence change replaces methionine, which is neutral and non-polar, with lysine, which is basic and polar, at codon 810 of the CASK protein (p.Met810Lys). In summary, the available evidence is currently insufficient to determine the role of this variant in disease. Therefore, it has been classified as a Variant of Uncertain Significance. Algorithms developed to predict the effect of missense changes on protein structure and function (SIFT, PolyPhen-2, Align-GVGD) all suggest that this variant is likely to be disruptive. This variant has not been reported in the literature in individuals affected with CASK-related conditions. This variant is present in population databases (rs761873670, gnomAD 0.02%), including at least one homozygous and/or hemizygous individual.